The following is an entry in ClinVar:

ClinVar aggregate classification (germline): Conflicting classifications of pathogenicity. Review status: criteria provided, conflicting classifications (1 of 4 stars). 2 submissions from 2 submitters: Uncertain significance (1); Likely benign (1). Last evaluated 2024-08-27.

Conditions:
Long QT syndrome (LQTS). Identifiers: MedGen C0023976, MeSH D008133, MONDO:0002442. Disease mechanism: loss of function. Inheritance: Various modes of inheritance.
Cardiovascular phenotype. Identifiers: MedGen CN230736.

gnomAD v4.1: 5 of 1,613,940 alleles (0.00031%); highest among the groups gnomAD compares: African/African-American, 0.004%; no homozygotes.

Submissions (2):

Ambry Genetics
Classification: Likely benign for Cardiovascular phenotype. Last evaluated: 2024-08-27. Review status: criteria provided, single submitter. Criteria: Ambry Variant Classification Scheme 2023. Collection method: clinical testing. Allele origin: germline.

Labcorp Genetics (formerly Invitae), Labcorp
Classification: Uncertain significance for Long QT syndrome. Last evaluated: 2024-05-14. Review status: criteria provided, single submitter. Criteria: Invitae Variant Classification Sherloc (09022015). Collection method: clinical testing. Allele origin: germline.
Comment: This sequence change replaces isoleucine, which is neutral and non-polar, with threonine, which is neutral and polar, at codon 2073 of the ANK2 protein (p.Ile2073Thr). This variant is not present in population databases (gnomAD no frequency). This variant has not been reported in the literature in individuals affected with ANK2-related conditions. Algorithms developed to predict the effect of missense changes on protein structure and function output the following: SIFT: "Not Available"; PolyPhen-2: "Benign"; Align-GVGD: "Not Available". The threonine amino acid residue is found in multiple mammalian species, which suggests that this missense change does not adversely affect protein function. In summary, the available evidence is currently insufficient to determine the role of this variant in disease. Therefore, it has been classified as a Variant of Uncertain Significance.

NM_001148.6(ANK2):c.6218T>C (p.Ile2073Thr)

Genes: ANK2 (ankyrin 2; plus strand), LOC126807136 (MED14-independent group 3 enhancer GRCh37_chr4:114274931-114276130; plus strand). Cytogenetic location: 4q26.
Variant type: single nucleotide variant.
Coding change: c.6218T>C on transcript NM_001148.6 (MANE Select); coding-DNA position 6218, T replaced by C.
Protein change: p.Ile2073Thr; replaces isoleucine 2073 with threonine.
Molecular consequence: missense variant. On other transcripts: intron variant (68).
Genome position (GRCh38, 1-based): chr4:113,354,836, T>C. VCF-style: chr4-113354836-T-C. GRCh37 (hg19) VCF-style: chr4-114275992-T-C.
Other names: c.1954+4587T>C (NM_001354278.2, NM_001354281.2); c.826+4587T>C (NM_001386167.1); c.5984T>C, p.Ile1995Thr (NM_001386142.1); c.2618T>C, p.Ile873Thr (NM_001386166.1); c.6359T>C, p.Ile2120Thr (NM_001386174.1); c.6335T>C, p.Ile2112Thr (NM_001386175.1); c.4411+4587T>C (NM_001386186.2, NM_001386148.2); c.4213+4587T>C (NM_001354269.3); and 35 more; short protein forms I1995T, I2120T, I2073T, I2112T, I873T.
Identifiers: ClinVar variation 3539515 (VCV003539515.3).